The following is an entry in ClinVar:

NM_016203.4(PRKAG2):c.619_636del (p.Ser207_Pro212del)

Gene: PRKAG2 (protein kinase AMP-activated non-catalytic subunit gamma 2; minus strand). Cytogenetic location: 7q36.1.
Variant type: Deletion.
Coding change: c.619_636del on transcript NM_016203.4 (MANE Select); coding-DNA positions 619 to 636, 18 bases deleted (TCTTCCTTCCAGAGCCCG).
Protein change: p.Ser207_Pro212del.
Molecular consequence: inframe deletion.
Genome position (GRCh38, 1-based): chr7:151,675,468-151,675,485, CGGGCTCTGGAAGGAAGA deleted on the plus strand (TCTTCCTTCCAGAGCCCG on the coding strand, the reverse complement: PRKAG2 is on the minus strand); deleting any 18 consecutive bases within chr7:151,675,468-151,675,490 gives the same sequence; the c. name uses the placement nearest the transcript's 3' end. VCF-style (leftmost placement, unchanged base first): chr7-151675467-TCGGGCTCTGGAAGGAAGA-T. GRCh37 (hg19) VCF-style: chr7-151372553-TCGGGCTCTGGAAGGAAGA-T.
Other names: c.487_504del, p.Ser163_Pro168del (NM_001040633.2); c.247_264del, p.Ser83_Pro88del (NM_001304527.2, NM_001363698.2).
Identifiers: ClinVar variation 1516691 (VCV001516691.8), dbSNP rs2151476689, ClinGen allele CA2573141876.

ClinVar aggregate classification (germline): Uncertain significance (1 of 4 stars; one submission).

Conditions:
Lethal congenital glycogen storage disease of heart. Also called: GLYCOGEN STORAGE DISEASE OF HEART; PHOSPHORYLASE KINASE DEFICIENCY OF HEART. Identifiers: Orphanet 439854, MedGen C1849813, MONDO:0009867, OMIM 261740.

Submission:

Labcorp Genetics (formerly Invitae), Labcorp
Classification: Uncertain significance for Lethal congenital glycogen storage disease of heart. Last evaluated: 2022-03-07. Review status: criteria provided, single submitter. Criteria: Invitae Variant Classification Sherloc (09022015). Collection method: clinical testing. Allele origin: germline.
Comment: This variant, c.619_636del, results in the deletion of 6 amino acid(s) of the PRKAG2 protein (p.Ser207_Pro212del), but otherwise preserves the integrity of the reading frame. In summary, the available evidence is currently insufficient to determine the role of this variant in disease. Therefore, it has been classified as a Variant of Uncertain Significance. Experimental studies and prediction algorithms are not available or were not evaluated, and the functional significance of this variant is currently unknown. This variant has not been reported in the literature in individuals affected with PRKAG2-related conditions. This variant is not present in population databases (gnomAD no frequency).